The following is an entry in ClinVar:

NM_213599.3(ANO5):c.1801-1G>C

Gene: ANO5 (anoctamin 5; plus strand). Cytogenetic location: 11p14.3.
Variant type: single nucleotide variant.
Coding change: c.1801-1G>C on transcript NM_213599.3 (MANE Select); the canonical splice acceptor site of the intron before coding-DNA position 1801, G replaced by C.
Molecular consequence: splice acceptor variant.
Genome position (GRCh38, 1-based): chr11:22,262,945, G>C. VCF-style: chr11-22262945-G-C. GRCh37 (hg19) VCF-style: chr11-22284491-G-C.
Other names: c.1759-1G>C (NM_001410963.1); c.1798-1G>C (NM_001142649.2); c.1756-1G>C (NM_001410964.1).
Identifiers: ClinVar variation 1474163 (VCV001474163.6), dbSNP rs2133750487, ClinGen allele CA379922869.

ClinVar aggregate classification (germline): Likely pathogenic (1 of 4 stars; one submission).

Conditions:
Gnathodiaphyseal dysplasia (GDD). Also called: GNATHODIAPHYSEAL SCLEROSIS; OSTEOGENESIS IMPERFECTA WITH UNUSUAL SKELETAL LESIONS. Identifiers: Orphanet 53697, MedGen C1833736, MONDO:0008151, OMIM 166260.
Autosomal recessive limb-girdle muscular dystrophy type 2L (LGMDR12). Also called: Limb-girdle muscular dystrophy, type 2L; MUSCULAR DYSTROPHY, LIMB-GIRDLE, AUTOSOMAL RECESSIVE 12; Limb-Girdle Muscular Dystrophy R12 Anoctamin-5-Related (LGMD-R12). Identifiers: Orphanet 206549, MedGen C1969785, MONDO:0012652, OMIM 611307.

Allele frequency attached by ClinVar (database versions not stated): gnomAD exomes below 0.00001.
gnomAD v4.1: 1 of 1,610,014 alleles (0.000062%); highest among the groups gnomAD compares: South Asian, 0.0011%; no homozygotes.

Submission:

Labcorp Genetics (formerly Invitae), Labcorp
Classification: Likely pathogenic for Autosomal recessive limb-girdle muscular dystrophy type 2L; Gnathodiaphyseal dysplasia. Last evaluated: 2025-04-22. Review status: criteria provided, single submitter. Criteria: Invitae Variant Classification Sherloc (09022015). Collection method: clinical testing. Allele origin: germline.
Comment: This sequence change affects an acceptor splice site in intron 16 of the ANO5 gene. It is expected to disrupt RNA splicing. Variants that disrupt the donor or acceptor splice site typically lead to a loss of protein function (PMID: 16199547), and loss-of-function variants in ANO5 are known to be pathogenic (PMID: 21186264, 23606453, 25891276, 30919934). This variant is not present in population databases (gnomAD no frequency). This variant has not been reported in the literature in individuals affected with ANO5-related conditions. ClinVar contains an entry for this variant (Variation ID: 1474163). Algorithms developed to predict the effect of sequence changes on RNA splicing suggest that this variant may disrupt the consensus splice site. In summary, the currently available evidence indicates that the variant is pathogenic, but additional data are needed to prove that conclusively. Therefore, this variant has been classified as Likely Pathogenic.

Literature cited by the submitters: PubMed 16199547; PubMed 21186264; PubMed 23606453; PubMed 25891276; PubMed 30919934.